The following is an entry in ClinVar:

NM_005141.5(FGB):c.1292G>T (p.Gly431Val)

Gene: FGB (fibrinogen beta chain; plus strand). Cytogenetic location: 4q31.3.
Variant type: single nucleotide variant.
Coding change: c.1292G>T on transcript NM_005141.5 (MANE Select); coding-DNA position 1292, G replaced by T.
Protein change: p.Gly431Val; replaces glycine 431 with valine.
Molecular consequence: missense variant.
Genome position (GRCh38, 1-based): chr4:154,570,466, G>T. VCF-style: chr4-154570466-G-T. GRCh37 (hg19) VCF-style: chr4-155491618-G-T.
Other names: c.1115G>T, p.Gly372Val (NM_001184741.1); short protein forms G431V, G372V.
Identifiers: ClinVar variation 900253 (VCV000900253.4), dbSNP rs779328318, ClinGen allele CA108752067.

ClinVar aggregate classification (germline): Uncertain significance (1 of 4 stars; one submission).

Conditions:
Congenital afibrinogenemia. Identifiers: Orphanet 335, Orphanet 98880, MedGen C2584774, MONDO:0008737, OMIM 202400.

Allele frequency attached by ClinVar (database versions not stated): gnomAD exomes 0.00001.
gnomAD v4.1: 9 of 1,614,142 alleles (0.00056%); highest among the groups gnomAD compares: Non-Finnish European, 0.00076%; no homozygotes.

Submission:

Illumina Laboratory Services, Illumina
Classification: Uncertain significance for Congenital afibrinogenemia. Last evaluated: 2017-04-27. Review status: criteria provided, single submitter. Criteria: ICSL Variant Classification Criteria 13 December 2019. Collection method: clinical testing. Allele origin: germline.
Comment: This variant was observed as part of a predisposition screen in an ostensibly healthy population. A literature search was performed for the gene, cDNA change, and amino acid change (where applicable). Publications were found based on this search. However, the evidence from the literature, in combination with allele frequency data from public databases where available, was not sufficient to rule this variant in or out of causing disease. Therefore, this variant is classified as a variant of unknown significance.

Literature cited by the submitters: PubMed 21713329.